The following is an entry in ClinVar:

NM_004525.3(LRP2):c.6056C>T (p.Ser2019Leu)

Gene: LRP2 (LDL receptor related protein 2; minus strand). Cytogenetic location: 2q31.1.
Variant type: single nucleotide variant.
Coding change: c.6056C>T on transcript NM_004525.3 (MANE Select); coding-DNA position 6056, C replaced by T.
Protein change: p.Ser2019Leu; replaces serine 2019 with leucine.
Molecular consequence: missense variant.
Genome position (GRCh38, 1-based): chr2:169,212,192, G>A on the plus strand (C>T on the coding strand, the complement: LRP2 is on the minus strand). VCF-style: chr2-169212192-G-A. GRCh37 (hg19) VCF-style: chr2-170068702-G-A.
Other names: short protein forms S2019L.
Identifiers: ClinVar variation 1422300 (VCV001422300.8), dbSNP rs2105341209, ClinGen allele CA349132421.
Genomic context (GRCh38, chr2:169,212,192, plus strand): 5'-CCTCCTGGTACAGGCAGGCAAATCTGCTGACAGGCATTCATGTTGTTGCTACAGCCATTT[G>A]AGGATTCGGCGGCATCTAAATGAAAACAAAATCCATTTGTAACTTTTGATCCTAGCTACT-3'
Protein context (NP_004516.2, residues 2009-2029): VYHRRNAAES[Ser2019Leu]NGCSNNMNAC

ClinVar aggregate classification (germline): Uncertain significance (1 of 4 stars; one submission).

Submission:

Labcorp Genetics (formerly Invitae), Labcorp
Classification: Uncertain significance. Last evaluated: 2022-03-10. Review status: criteria provided, single submitter. Criteria: Invitae Variant Classification Sherloc (09022015). Collection method: clinical testing. Allele origin: germline.
Comment: This variant is not present in population databases (gnomAD no frequency). In summary, the available evidence is currently insufficient to determine the role of this variant in disease. Therefore, it has been classified as a Variant of Uncertain Significance. Advanced modeling of protein sequence and biophysical properties (such as structural, functional, and spatial information, amino acid conservation, physicochemical variation, residue mobility, and thermodynamic stability) performed at Invitae indicates that this missense variant is not expected to disrupt LRP2 protein function. This variant has not been reported in the literature in individuals affected with LRP2-related conditions. This sequence change replaces serine, which is neutral and polar, with leucine, which is neutral and non-polar, at codon 2019 of the LRP2 protein (p.Ser2019Leu).